The following is an entry in ClinVar:

ClinVar aggregate classification (germline): Benign. Review status: criteria provided, multiple submitters, no conflicts (2 of 4 stars). 3 submissions from 3 submitters: Benign (2). 1 of the submissions does not count toward it. Last evaluated 2019-12-31.

Conditions:
GNB1L-related disorder. Also called: GNB1L-related condition.

Allele frequency attached by ClinVar (database versions not stated): gnomAD exomes 0.00190 and 0.00505; ExAC 0.00591; 1000 Genomes Project 0.01977; gnomAD 0.02028 and 0.02191; 1000 Genomes Project 30x 0.02046; ESP Exome Variant Server 0.02147; TOPMed 0.02319.
gnomAD v4.1: 6,002 of 1,612,830 alleles (0.37%); highest among the groups gnomAD compares: African/African-American, 6.9%; 180 homozygotes.

Submissions (3):

Labcorp Genetics (formerly Invitae), Labcorp
Classification: Benign. Last evaluated: 2019-12-31. Review status: criteria provided, single submitter. Criteria: Invitae Variant Classification Sherloc (09022015). Collection method: clinical testing. Allele origin: germline.

Breakthrough Genomics
Classification: Benign. Review status: criteria provided, single submitter. Criteria: ACMG Guidelines, 2015. Collection method: not provided. Allele origin: germline. Inheritance: Unknown mechanism. Affected: yes.

PreventionGenetics, part of Exact Sciences
Classification: Benign for GNB1L-related condition. Last evaluated: 2019-02-19. Review status: no assertion criteria provided. Collection method: clinical testing. Allele origin: germline. Not counted in ClinVar's aggregate classification.
Comment: This variant is classified as benign based on ACMG/AMP sequence variant interpretation guidelines (Richards et al. 2015 PMID: 25741868, with internal and published modifications).

NM_053004.3(GNB1L):c.834C>T (p.Arg278=)

Gene: GNB1L (G protein subunit beta 1 like; minus strand). Cytogenetic location: 22q11.21.
Variant type: single nucleotide variant.
Coding change: c.834C>T on transcript NM_053004.3 (MANE Select); coding-DNA position 834, C replaced by T.
Protein change: p.Arg278=; no amino-acid change (arginine 278 retained).
Molecular consequence: synonymous variant.
Genome position (GRCh38, 1-based): chr22:19,788,859, G>A on the plus strand (C>T on the coding strand, the complement: GNB1L is on the minus strand). VCF-style: chr22-19788859-G-A. GRCh37 (hg19) VCF-style: chr22-19776382-G-A.
Identifiers: ClinVar variation 714836 (VCV000714836.7), dbSNP rs35995660, ClinGen allele CA10102980.